The following is an entry in ClinVar:

ClinVar aggregate classification (germline): Uncertain significance (1 of 4 stars; one submission).

Conditions:
Nemaline myopathy 6 (NEM6). Also called: Nemaline myopathy 6, autosomal dominant. Identifiers: Orphanet 171439, MedGen C1836472, MONDO:0012237, OMIM 609273.

Allele frequency attached by ClinVar (database versions not stated): gnomAD exomes below 0.00001; ExAC 0.00001.

Submission:

Labcorp Genetics (formerly Invitae), Labcorp
Classification: Uncertain significance for Nemaline myopathy 6. Last evaluated: 2023-04-24. Review status: criteria provided, single submitter. Criteria: Invitae Variant Classification Sherloc (09022015). Collection method: clinical testing. Allele origin: germline.
Comment: In summary, the available evidence is currently insufficient to determine the role of this variant in disease. Therefore, it has been classified as a Variant of Uncertain Significance. Advanced modeling of protein sequence and biophysical properties (such as structural, functional, and spatial information, amino acid conservation, physicochemical variation, residue mobility, and thermodynamic stability) performed at Invitae indicates that this missense variant is not expected to disrupt KBTBD13 protein function. ClinVar contains an entry for this variant (Variation ID: 1367298). This variant has not been reported in the literature in individuals affected with KBTBD13-related conditions. The frequency data for this variant in the population databases is considered unreliable, as metrics indicate poor data quality at this position in the gnomAD database. This sequence change replaces glycine, which is neutral and non-polar, with serine, which is neutral and polar, at codon 283 of the KBTBD13 protein (p.Gly283Ser).

NM_001101362.3(KBTBD13):c.847G>A (p.Gly283Ser)

Gene: KBTBD13 (kelch repeat and BTB domain containing 13; plus strand). Cytogenetic location: 15q22.31.
Variant type: single nucleotide variant.
Coding change: c.847G>A on transcript NM_001101362.3 (MANE Select); coding-DNA position 847, G replaced by A.
Protein change: p.Gly283Ser; replaces glycine 283 with serine.
Molecular consequence: missense variant.
Genome position (GRCh38, 1-based): chr15:65,077,662, G>A. VCF-style: chr15-65077662-G-A. GRCh37 (hg19) VCF-style: chr15-65370000-G-A.
Other names: short protein forms G283S.
Identifiers: ClinVar variation 1367298 (VCV001367298.6), dbSNP rs770737413, ClinGen allele CA7613997.